The following is an entry in ClinVar:

ClinVar aggregate classification (germline): Uncertain significance. Review status: criteria provided, multiple submitters, no conflicts (2 of 4 stars). 2 submissions from 2 submitters: Uncertain significance (2). Last evaluated 2023-12-21.

Conditions:
Inborn genetic diseases. Identifiers: MedGen C0950123, MeSH D030342.

Allele frequency attached by ClinVar (database versions not stated): gnomAD exomes 0.00001 and 0.00002; ExAC 0.00004; gnomAD 0.00005 and 0.00006; TOPMed 0.00005; ESP Exome Variant Server 0.00008.
gnomAD v4.1: 25 of 1,613,988 alleles (0.0015%); highest among the groups gnomAD compares: African/African-American, 0.0093%; no homozygotes.

Submissions (2):

Ambry Genetics
Classification: Uncertain significance for Inborn genetic diseases. Last evaluated: 2023-12-21. Review status: criteria provided, single submitter. Criteria: Ambry Variant Classification Scheme 2023. Collection method: clinical testing. Allele origin: germline.

Labcorp Genetics (formerly Invitae), Labcorp
Classification: Uncertain significance. Last evaluated: 2022-05-27. Review status: criteria provided, single submitter. Criteria: Invitae Variant Classification Sherloc (09022015). Collection method: clinical testing. Allele origin: germline.
Comment: In summary, the available evidence is currently insufficient to determine the role of this variant in disease. Therefore, it has been classified as a Variant of Uncertain Significance. Algorithms developed to predict the effect of missense changes on protein structure and function are either unavailable or do not agree on the potential impact of this missense change (SIFT: "Not Available"; PolyPhen-2: "Probably Damaging"; Align-GVGD: "Not Available"). This variant has not been reported in the literature in individuals affected with CDH3-related conditions. This variant is present in population databases (rs371492322, gnomAD 0.02%). This sequence change replaces proline, which is neutral and non-polar, with leucine, which is neutral and non-polar, at codon 726 of the CDH3 protein (p.Pro726Leu).

NM_001793.6(CDH3):c.2177C>T (p.Pro726Leu)

Gene: CDH3 (cadherin 3; plus strand). Cytogenetic location: 16q22.1.
Variant type: single nucleotide variant.
Coding change: c.2177C>T on transcript NM_001793.6 (MANE Select); coding-DNA position 2177, C replaced by T.
Protein change: p.Pro726Leu; replaces proline 726 with leucine.
Molecular consequence: missense variant.
Genome position (GRCh38, 1-based): chr16:68,695,820, C>T. VCF-style: chr16-68695820-C-T. GRCh37 (hg19) VCF-style: chr16-68729723-C-T.
Other names: c.2177C>T, p.Pro726Leu (NM_001317195.3); c.2012C>T, p.Pro671Leu (NM_001317196.2); c.2177C>T (NM_001793.4); short protein forms P671L, P726L.
Identifiers: ClinVar variation 1365261 (VCV001365261.5), dbSNP rs371492322, ClinGen allele CA8129610.